The following is an entry in ClinVar:

ClinVar aggregate classification (germline): Benign. Review status: criteria provided, multiple submitters, no conflicts (2 of 4 stars). 2 submissions from 2 submitters: Benign (2). Last evaluated 2018-01-12.

Conditions:
Autosomal dominant Parkinson disease 8. Also called: Parkinson disease 8, susceptibility to; LRRK2-Related Parkinson Disease; Parkinson disease 8. Identifiers: Orphanet 411602, MedGen C1846862, MONDO:0011764, OMIM 607060.

Allele frequency attached by ClinVar (database versions not stated): 1000 Genomes Project 0.55152; gnomAD 0.61534 and 0.61718; gnomAD exomes 0.66536; 1000 Genomes Project 30x 0.55059; TOPMed 0.59730.
gnomAD v4.1: 98,116 of 158,788 alleles (62%); highest among the groups gnomAD compares: Non-Finnish European, 67%; 30,704 homozygotes.

Submissions (2):

Illumina Laboratory Services, Illumina
Classification: Benign for Autosomal dominant Parkinson disease 8. Last evaluated: 2018-01-12. Review status: criteria provided, single submitter. Criteria: ICSL Variant Classification Criteria 13 December 2019. Collection method: clinical testing. Allele origin: germline.
Comment: This variant was observed in the ICSL laboratory as part of a predisposition screen in an ostensibly healthy population. It had not been previously curated by ICSL or reported in the Human Gene Mutation Database (HGMD: prior to June 1st, 2018), and was therefore a candidate for classification through an automated scoring system. Utilizing variant allele frequency, disease prevalence and penetrance estimates, and inheritance mode, an automated score was calculated to assess if this variant is too frequent to cause the disease. Based on the score and internal cut-off values, a variant classified as benign is not then subjected to further curation. The score for this variant resulted in a classification of benign for this disease.

Breakthrough Genomics
Classification: Benign. Review status: criteria provided, single submitter. Criteria: ACMG Guidelines, 2015. Collection method: not provided. Allele origin: germline. Inheritance: Autosomal dominant inheritance. Affected: yes.

NM_198578.4(LRRK2):c.*384C>T

Gene: LRRK2 (leucine rich repeat kinase 2; plus strand). Cytogenetic location: 12q12.
Variant type: single nucleotide variant.
Coding change: c.*384C>T on transcript NM_198578.4 (MANE Select); 384 bases downstream of the stop codon, C replaced by T.
Molecular consequence: 3 prime UTR variant.
Genome position (GRCh38, 1-based): chr12:40,368,149, C>T. VCF-style: chr12-40368149-C-T. GRCh37 (hg19) VCF-style: chr12-40761951-C-T.
Identifiers: ClinVar variation 308657 (VCV000308657.6), dbSNP rs3886747, ClinGen allele CA10642153.